The following is an entry in ClinVar:

NM_004360.5(CDH1):c.2027A>G (p.Asp676Gly)

Gene: CDH1 (cadherin 1; plus strand). Cytogenetic location: 16q22.1.
Variant type: single nucleotide variant.
Coding change: c.2027A>G on transcript NM_004360.5 (MANE Select); coding-DNA position 2027, A replaced by G.
Protein change: p.Asp676Gly; replaces aspartic acid 676 with glycine.
Molecular consequence: missense variant.
Genome position (GRCh38, 1-based): chr16:68,823,489, A>G. VCF-style: chr16-68823489-A-G. GRCh37 (hg19) VCF-style: chr16-68857392-A-G.
Other names: c.479A>G, p.Asp160Gly (NM_001317185.2); c.62A>G, p.Asp21Gly (NM_001317186.2); c.1844A>G, p.Asp615Gly (NM_001317184.2); short protein forms D615G, D21G, D676G, D160G.
Identifiers: ClinVar variation 3998763 (VCV003998763.1).

ClinVar aggregate classification (germline): Uncertain significance (1 of 4 stars; one submission).

Conditions:
Hereditary cancer-predisposing syndrome. Also called: Tumor predisposition; Hereditary neoplastic syndrome; Neoplastic Syndromes, Hereditary; Hereditary Cancer Syndrome. Identifiers: Orphanet 140162, MedGen C0027672, MeSH D009386, MONDO:0015356.

Submission:

Ambry Genetics
Classification: Uncertain significance for Hereditary cancer-predisposing syndrome. Last evaluated: 2025-04-12. Review status: criteria provided, single submitter. Criteria: Ambry Variant Classification Scheme 2023. Collection method: clinical testing. Allele origin: germline.
Comment: The p.D676G variant (also known as c.2027A>G), located in coding exon 13 of the CDH1 gene, results from an A to G substitution at nucleotide position 2027. The aspartic acid at codon 676 is replaced by glycine, an amino acid with similar properties. This amino acid position is conserved. In addition, this alteration is predicted to be tolerated by in silico analysis. Based on the available evidence, the clinical significance of this variant remains unclear.